The following is an entry in ClinVar:

ClinVar aggregate classification (germline): Pathogenic. Review status: criteria provided, single submitter (1 of 4 stars). 2 submissions from 2 submitters: Pathogenic (1). 1 of the submissions does not count toward it. Last evaluated 2020-12-08.

Conditions:
Episodic kinesigenic dyskinesia (EKD). Also called: Paroxysmal kinesigenic dyskinesia. Identifiers: Orphanet 98809, MedGen C1868682, MONDO:0044202.
Infantile convulsions and choreoathetosis (ICCA). Also called: PRRT2-Related Paroxysmal Kinesigenic Dyskinesia with Infantile Convulsions (PKD/IC); PAROXYSMAL KINESIGENIC DYSKINESIA WITH INFANTILE CONVULSIONS. Identifiers: Orphanet 31709, MedGen C1865926, MONDO:0011178, OMIM 602066.

Submissions (2):

Labcorp Genetics (formerly Invitae), Labcorp
Classification: Pathogenic for Episodic kinesigenic dyskinesia. Last evaluated: 2020-12-08. Review status: criteria provided, single submitter. Criteria: Invitae Variant Classification Sherloc (09022015). Collection method: clinical testing. Allele origin: germline.
Comment: For these reasons, this variant has been classified as Pathogenic. Experimental studies have shown that this variant affects PRRT2 protein function (PMID: 31124310). This variant has been observed in individual(s) with infantile convulsions and choreoathetosis syndrome (PMID: 22243967). It has also been observed to segregate with disease in related individuals. ClinVar contains an entry for this variant (Variation ID: 31172). This variant is not present in population databases (ExAC no frequency). This sequence change replaces serine with asparagine at codon 317 of the PRRT2 protein (p.Ser317Asn). The serine residue is highly conserved and there is a small physicochemical difference between serine and asparagine.

OMIM
Classification: Pathogenic for CONVULSIONS, FAMILIAL INFANTILE, WITH PAROXYSMAL CHOREOATHETOSIS. Last evaluated: 2012-01-13. Review status: no assertion criteria provided. Collection method: literature only. Allele origin: germline. Not counted in ClinVar's aggregate classification.

Literature cited by the submitters: PubMed 31124310 (cited by Labcorp Genetics (formerly Invitae), Labcorp); PubMed 22243967 (cited by Labcorp Genetics (formerly Invitae), Labcorp and OMIM).

NM_145239.3(PRRT2):c.950G>A (p.Ser317Asn)

Genes: MVP-DT (MVP divergent transcript; minus strand), PRRT2 (proline rich transmembrane protein 2; plus strand). Cytogenetic location: 16p11.2.
Variant type: single nucleotide variant.
Coding change: c.950G>A on transcript NM_145239.3 (MANE Select); coding-DNA position 950, G replaced by A.
Protein change: p.Ser317Asn; replaces serine 317 with asparagine.
Molecular consequence: missense variant. On other transcripts: 3 prime UTR variant (1).
Genome position (GRCh38, 1-based): chr16:29,814,403, G>A. VCF-style: chr16-29814403-G-A. GRCh37 (hg19) VCF-style: chr16-29825724-G-A.
Other names: c.950G>A, p.Ser317Asn (NM_001256442.2); c.*449G>A (NM_001256443.2); short protein forms S317N.
Identifiers: ClinVar variation 31172 (VCV000031172.12), dbSNP rs387907125, ClinGen allele CA129726.